The following is an entry in ClinVar:

ClinVar aggregate classification (germline): Uncertain significance. Review status: criteria provided, multiple submitters, no conflicts (2 of 4 stars). 3 submissions from 3 submitters: Uncertain significance (2). 1 of the submissions does not count toward it. Last evaluated 2025-10-06.

Conditions:
Hereditary cancer-predisposing syndrome. Also called: Neoplastic Syndromes, Hereditary; Tumor predisposition; Hereditary neoplastic syndrome; Hereditary Cancer Syndrome. Identifiers: Orphanet 140162, MedGen C0027672, MeSH D009386, MONDO:0015356.
Bloom syndrome (BLM). Also called: Bloom-Torre-Machacek syndrome. Identifiers: Orphanet 125, MedGen C0005859, MONDO:0008876, OMIM 210900.

Allele frequency attached by ClinVar (database versions not stated): gnomAD exomes below 0.00001.
gnomAD v4.1: 1 of 1,614,182 alleles (0.000062%); highest among the groups gnomAD compares: Non-Finnish European, 0.000085%; no homozygotes.

Submissions (3):

Ambry Genetics
Classification: Uncertain significance for Hereditary cancer-predisposing syndrome. Last evaluated: 2025-10-06. Review status: criteria provided, single submitter. Criteria: Ambry Variant Classification Scheme 2023. Collection method: clinical testing. Allele origin: germline.
Comment: The p.L1315F variant (also known as c.3943C>T), located in coding exon 20 of the BLM gene, results from a C to T substitution at nucleotide position 3943. The leucine at codon 1315 is replaced by phenylalanine, an amino acid with highly similar properties. This amino acid position is poorly conserved in available vertebrate species. In addition, this alteration is predicted to be tolerated by in silico analysis. Since supporting evidence is limited at this time, the clinical significance of this alteration remains unclear.

Labcorp Genetics (formerly Invitae), Labcorp
Classification: Uncertain significance for Bloom syndrome. Last evaluated: 2025-06-14. Review status: criteria provided, single submitter. Criteria: Invitae Variant Classification Sherloc (09022015). Collection method: clinical testing. Allele origin: germline.
Comment: This sequence change replaces leucine, which is neutral and non-polar, with phenylalanine, which is neutral and non-polar, at codon 1315 of the BLM protein (p.Leu1315Phe). This variant is present in population databases (no rsID available, gnomAD 0.0009%). This variant has not been reported in the literature in individuals affected with BLM-related conditions. ClinVar contains an entry for this variant (Variation ID: 824406). Invitae Evidence Modeling of protein sequence and biophysical properties (such as structural, functional, and spatial information, amino acid conservation, physicochemical variation, residue mobility, and thermodynamic stability) indicates that this missense variant is not expected to disrupt BLM protein function with a negative predictive value of 80%. In summary, the available evidence is currently insufficient to determine the role of this variant in disease. Therefore, it has been classified as a Variant of Uncertain Significance.

Natera, Inc.
Classification: Uncertain significance for Bloom syndrome. Last evaluated: 2020-03-18. Review status: no assertion criteria provided. Collection method: clinical testing. Allele origin: germline. Not counted in ClinVar's aggregate classification.

NM_000057.4(BLM):c.3943C>T (p.Leu1315Phe)

Gene: BLM (BLM RecQ like helicase; plus strand). Cytogenetic location: 15q26.1.
Variant type: single nucleotide variant.
Coding change: c.3943C>T on transcript NM_000057.4 (MANE Select); coding-DNA position 3943, C replaced by T.
Protein change: p.Leu1315Phe; replaces leucine 1315 with phenylalanine.
Molecular consequence: missense variant.
Genome position (GRCh38, 1-based): chr15:90,811,273, C>T. VCF-style: chr15-90811273-C-T. GRCh37 (hg19) VCF-style: chr15-91354503-C-T.
Other names: c.3943C>T, p.Leu1315Phe (NM_001287246.2); c.3550C>T, p.Leu1184Phe (NM_001287247.2); c.2818C>T, p.Leu940Phe (NM_001287248.2); short protein forms L1315F, L940F, L1184F.
Identifiers: ClinVar variation 824406 (VCV000824406.13), dbSNP rs959925706, ClinGen allele CA274728862.